The following is an entry in ClinVar:

ClinVar aggregate classification (germline): Uncertain significance (1 of 4 stars; one submission).

Conditions:
Inflammatory bowel disease. Identifiers: Orphanet 104012, MedGen C0021390, MONDO:0005265.

Allele frequency attached by ClinVar (database versions not stated): TOPMed 0.00001; gnomAD exomes 0.00003 and 0.00005; ExAC 0.00004; ESP Exome Variant Server 0.00008.
gnomAD v4.1: 71 of 1,614,092 alleles (0.0044%); highest among the groups gnomAD compares: Non-Finnish European, 0.0059%; no homozygotes.

Submission:

Labcorp Genetics (formerly Invitae), Labcorp
Classification: Uncertain significance for Inflammatory bowel disease. Last evaluated: 2023-11-18. Review status: criteria provided, single submitter. Criteria: Invitae Variant Classification Sherloc (09022015). Collection method: clinical testing. Allele origin: germline.
Comment: This sequence change replaces isoleucine, which is neutral and non-polar, with serine, which is neutral and polar, at codon 105 of the IL10 protein (p.Ile105Ser). This variant is present in population databases (rs372883095, gnomAD 0.006%). This variant has not been reported in the literature in individuals affected with IL10-related conditions. ClinVar contains an entry for this variant (Variation ID: 1056748). An algorithm developed to predict the effect of missense changes on protein structure and function (PolyPhen-2) suggests that this variant is likely to be disruptive. In summary, the available evidence is currently insufficient to determine the role of this variant in disease. Therefore, it has been classified as a Variant of Uncertain Significance.

NM_000572.3(IL10):c.314T>G (p.Ile105Ser)

Genes: IL10 (interleukin 10; minus strand), IL19 (interleukin 19; plus strand), LOC129932369 (ATAC-STARR-seq lymphoblastoid active region 2419; plus strand). Cytogenetic location: 1q32.1.
Variant type: single nucleotide variant.
Coding change: c.314T>G on transcript NM_000572.3 (MANE Select); coding-DNA position 314, T replaced by G.
Protein change: p.Ile105Ser; replaces isoleucine 105 with serine.
Molecular consequence: missense variant. On other transcripts: 5 prime UTR variant (1), non-coding transcript variant (1), intron variant (1).
Genome position (GRCh38, 1-based): chr1:206,770,971, A>C on the plus strand (T>G on the coding strand, the complement: IL10 is on the minus strand). VCF-style: chr1-206770971-A-C. GRCh37 (hg19) VCF-style: chr1-206944316-A-C.
Other names: c.-256A>C (NM_153758.5); c.59T>G, p.Ile20Ser (NM_001382624.1); c.-149+141A>C (NM_001393490.1); short protein forms I105S, I20S.
Identifiers: ClinVar variation 1056748 (VCV001056748.7), dbSNP rs372883095, ClinGen allele CA1363780.
Genomic context (GRCh38, chr1:206,770,971, plus strand): 5'-CGCCGTAGCCTCAGCCTGAGGGTCTTCAGGTTCTCCCCCAGGGAGTTCACATGCGCCTTG[A>C]TGTCTGGGTCTTGGTTCTCAGCTTGGGGCATCACCTCCTCCAGGTAAAACTGGATCATCT-3'
Protein context (NP_000563.1, residues 95-115): MPQAENQDPD[Ile105Ser]KAHVNSLGEN